The following is an entry in ClinVar:

NM_001103.4(ACTN2):c.1169T>A (p.Leu390His)

Gene: ACTN2 (actinin alpha 2; plus strand). Cytogenetic location: 1q43.
Variant type: single nucleotide variant.
Coding change: c.1169T>A on transcript NM_001103.4 (MANE Select); coding-DNA position 1169, T replaced by A.
Protein change: p.Leu390His; replaces leucine 390 with histidine.
Molecular consequence: missense variant.
Genome position (GRCh38, 1-based): chr1:236,742,957, T>A. VCF-style: chr1-236742957-T-A. GRCh37 (hg19) VCF-style: chr1-236906257-T-A.
Other names: c.1169T>A, p.Leu390His (NM_001278343.2); c.545T>A, p.Leu182His (NM_001278344.2); short protein forms L182H, L390H.
Identifiers: ClinVar variation 1476514 (VCV001476514.6), dbSNP rs1479627329, ClinGen allele CA345382220.

ClinVar aggregate classification (germline): Uncertain significance (1 of 4 stars; one submission).

Conditions:
Dilated cardiomyopathy 1AA (CMD1AA). Also called: CARDIOMYOPATHY, DILATED, 1AA, WITH OR WITHOUT LEFT VENTRICULAR NONCOMPACTION; CARDIOMYOPATHY, FAMILIAL HYPERTROPHIC, 23, WITH OR WITHOUT LEFT VENTRICULAR NONCOMPACTION; Cardiomyopathy, dilated, 1AA, with or without LVNC. Identifiers: Orphanet 154, MedGen C2677338, MONDO:0012808, OMIM 612158.
Primary familial hypertrophic cardiomyopathy (HCM). Identifiers: Orphanet 99739, MedGen C0949658, MeSH D024741, MONDO:0024573. Inheritance: Various modes of inheritance.

Submission:

Labcorp Genetics (formerly Invitae), Labcorp
Classification: Uncertain significance for Primary familial hypertrophic cardiomyopathy; Dilated cardiomyopathy 1AA. Last evaluated: 2022-03-05. Review status: criteria provided, single submitter. Criteria: Invitae Variant Classification Sherloc (09022015). Collection method: clinical testing. Allele origin: germline.
Comment: Advanced modeling of protein sequence and biophysical properties (such as structural, functional, and spatial information, amino acid conservation, physicochemical variation, residue mobility, and thermodynamic stability) performed at Invitae indicates that this missense variant is not expected to disrupt ACTN2 protein function. In summary, the available evidence is currently insufficient to determine the role of this variant in disease. Therefore, it has been classified as a Variant of Uncertain Significance. This variant has not been reported in the literature in individuals affected with ACTN2-related conditions. This variant is not present in population databases (gnomAD no frequency). This sequence change replaces leucine, which is neutral and non-polar, with histidine, which is basic and polar, at codon 390 of the ACTN2 protein (p.Leu390His).